The following is an entry in ClinVar:

ClinVar aggregate classification (germline): Likely benign. Review status: criteria provided, multiple submitters, no conflicts (2 of 4 stars). 3 submissions from 3 submitters: Likely benign (3). Last evaluated 2025-07-01.

Conditions:
Perlman syndrome (PRLMNS). Identifiers: Orphanet 2849, MedGen C0796113, MONDO:0009965, OMIM 267000.

Allele frequency attached by ClinVar (database versions not stated): gnomAD exomes below 0.00001 and 0.00001; ExAC 0.00001; gnomAD 0.00001 and 0.00002; TOPMed 0.00002.
gnomAD v4.1: 24 of 1,607,116 alleles (0.0015%); highest among the groups gnomAD compares: East Asian, 0.0022%; no homozygotes.

Submissions (3):

Labcorp Genetics (formerly Invitae), Labcorp
Classification: Likely benign for Perlman syndrome. Last evaluated: 2025-07-01. Review status: criteria provided, single submitter. Criteria: Invitae Variant Classification Sherloc (09022015). Collection method: clinical testing. Allele origin: germline.

Blueprint Genetics
Classification: Likely benign. Last evaluated: 2023-07-13. Review status: criteria provided, single submitter. Criteria: ACMG Guidelines, 2015. Collection method: clinical testing. Allele origin: germline.

CeGaT Center for Human Genetics Tuebingen
Classification: Likely benign. Last evaluated: 2022-11-01. Review status: criteria provided, single submitter. Criteria: CeGaT Center For Human Genetics Tuebingen Variant Classification Criteria Version 2. Collection method: clinical testing. Allele origin: germline. Affected: yes. Observed: 1 variant allele.
Comment: DIS3L2: BP4, BP7

NM_152383.5(DIS3L2):c.2628C>T (p.Asp876=)

Gene: DIS3L2 (DIS3 like 3'-5' exoribonuclease 2; plus strand). Cytogenetic location: 2q37.1.
Variant type: single nucleotide variant.
Coding change: c.2628C>T on transcript NM_152383.5 (MANE Select); coding-DNA position 2628, C replaced by T.
Protein change: p.Asp876=; no amino-acid change (aspartic acid 876 retained).
Molecular consequence: synonymous variant. On other transcripts: non-coding transcript variant (2), intron variant (1).
Genome position (GRCh38, 1-based): chr2:232,336,600, C>T. VCF-style: chr2-232336600-C-T. GRCh37 (hg19) VCF-style: chr2-233201310-C-T.
Other names: c.1582-6745C>T (NM_001257281.2).
Identifiers: ClinVar variation 463113 (VCV000463113.35), dbSNP rs760111036, ClinGen allele CA2164640.
Genomic context (GRCh38, chr2:232,336,600, plus strand): 5'-CCTGAAGCGGCCAGGCACCCAGGGCCACCTGGGCCCTGAGAAGGAGGAGGAGGAGTCTGA[C>T]GGTGAGCCCGAGGACTCAAGCACCAGCTGAGCTCCACCAGCCGCCTGCCCCGCCTGCCCC-3'
Protein context (NP_689596.4, residues 866-885): LGPEKEEEES[Asp876=]GEPEDSSTS